The following is an entry in ClinVar:

ClinVar aggregate classification (germline): Pathogenic (1 of 4 stars; one submission).

Allele frequency attached by ClinVar (database versions not stated): gnomAD 0.00001.

Submission:

Labcorp Genetics (formerly Invitae), Labcorp
Classification: Pathogenic. Last evaluated: 2023-11-25. Review status: criteria provided, single submitter. Criteria: Invitae Variant Classification Sherloc (09022015). Collection method: clinical testing. Allele origin: germline.
Comment: This sequence change creates a premature translational stop signal (p.Thr1664Lysfs*20) in the EYS gene. It is expected to result in an absent or disrupted protein product. Loss-of-function variants in EYS are known to be pathogenic (PMID: 18836446, 20333770). This variant is present in population databases (no rsID available, gnomAD 0.06%). This variant has not been reported in the literature in individuals affected with EYS-related conditions. ClinVar contains an entry for this variant (Variation ID: 1912709). For these reasons, this variant has been classified as Pathogenic.

Literature cited by the submitters: PubMed 18836446; PubMed 20333770.

NM_001142800.2(EYS):c.4987_4990dup (p.Thr1664fs)

Gene: EYS (EGF-like photoreceptor maintenance factor; minus strand). Cytogenetic location: 6q12.
Variant type: Duplication.
Coding change: c.4987_4990dup on transcript NM_001142800.2 (MANE Select); coding-DNA positions 4987 to 4990, 4 bases duplicated (AAGA; older notation c.4987_4990dupAAGA).
Protein change: p.Thr1664fs; shifts the reading frame from threonine 1664.
Molecular consequence: frameshift variant.
Genome position (GRCh38, 1-based): chr6:64,590,877-64,590,880, TCTT duplicated on the plus strand (AAGA on the coding strand, the reverse complement: EYS is on the minus strand). VCF-style (leftmost placement, unchanged base first): chr6-64590876-G-GTCTT. GRCh37 (hg19) VCF-style: chr6-65300769-G-GTCTT.
Other names: c.4987_4990dup, p.Thr1664fs (NM_001292009.2); short protein forms T1664fs.
Identifiers: ClinVar variation 1912709 (VCV001912709.5), dbSNP rs1562079554, ClinGen allele CA568119127.
Genomic context (GRCh38, chr6:64,590,876, plus strand): 5'-GTCAAATCAGAATTCATCAAGTCTGAAGAGATAGTTTGTGAAGGGACAATGGATAAACAA[G>GTCTT]TCTTATCCAAACATAAATTAACATCCAAATTACTTGATAGGGTAATGGATTCTTCCAAGG-3'